The following is an entry in ClinVar:

ClinVar aggregate classification (germline): Pathogenic. Review status: criteria provided, multiple submitters, no conflicts (2 of 4 stars). 2 submissions from 2 submitters: Pathogenic (2). Last evaluated 2023-08-28.

Conditions:
Neurofibromatosis, type 1 (NF1). Also called: Peripheral type neurofibromatosis; VON RECKLINGHAUSEN DISEASE; Neurofibromatosis, type I; NEUROFIBROMATOSIS, TYPE I, SOMATIC. Identifiers: Orphanet 636, MedGen C0027831, MONDO:0018975, OMIM 162200. Disease mechanism: loss of function.
Hereditary cancer-predisposing syndrome. Also called: Tumor predisposition; Hereditary neoplastic syndrome; Neoplastic Syndromes, Hereditary; Hereditary Cancer Syndrome. Identifiers: Orphanet 140162, MedGen C0027672, MeSH D009386, MONDO:0015356.
Cardiovascular phenotype. Identifiers: MedGen CN230736.

Submissions (2):

Ambry Genetics
Classification: Pathogenic for Cardiovascular phenotype; Hereditary cancer-predisposing syndrome. Last evaluated: 2023-08-28. Review status: criteria provided, single submitter. Criteria: Ambry Variant Classification Scheme 2023. Collection method: clinical testing. Allele origin: germline.
Comment: The c.1995delC pathogenic mutation, located in coding exon 17 of the NF1 gene, results from a deletion of one nucleotide at nucleotide position 1995, causing a translational frameshift with a predicted alternate stop codon (p.S666Lfs*22). This variant is considered to be rare based on population cohorts in the Genome Aggregation Database (gnomAD). This alteration is expected to result in loss of function by premature protein truncation or nonsense-mediated mRNA decay. As such, this alteration is interpreted as a disease-causing mutation.

Labcorp Genetics (formerly Invitae), Labcorp
Classification: Pathogenic for Neurofibromatosis, type 1. Last evaluated: 2023-05-23. Review status: criteria provided, single submitter. Criteria: Invitae Variant Classification Sherloc (09022015). Collection method: clinical testing. Allele origin: germline.
Comment: This variant is not present in population databases (gnomAD no frequency). This sequence change creates a premature translational stop signal (p.Ser666Leufs*22) in the NF1 gene. It is expected to result in an absent or disrupted protein product. Loss-of-function variants in NF1 are known to be pathogenic (PMID: 10712197, 23913538). This variant has not been reported in the literature in individuals affected with NF1-related conditions. For these reasons, this variant has been classified as Pathogenic. ClinVar contains an entry for this variant (Variation ID: 934362).

Literature cited by the submitters: PubMed 10712197 (cited by Labcorp Genetics (formerly Invitae), Labcorp); PubMed 23913538 (cited by Labcorp Genetics (formerly Invitae), Labcorp).

NM_001042492.3(NF1):c.1995del (p.Ser666fs)

Gene: NF1 (neurofibromin 1; plus strand). Cytogenetic location: 17q11.2.
Variant type: Deletion.
Coding change: c.1995del on transcript NM_001042492.3 (MANE Select); coding-DNA position 1995, one base deleted (C; older notation c.1995delC).
Protein change: p.Ser666fs; shifts the reading frame from serine 666.
Molecular consequence: frameshift variant.
Genome position (GRCh38, 1-based): chr17:31,225,244, C deleted; the last of 2 consecutive C bases (chr17:31,225,243-31,225,244); deleting either gives the same sequence. VCF-style (leftmost placement, unchanged base first): chr17-31225242-TC-T. GRCh37 (hg19) VCF-style: chr17-29552260-TC-T.
Other names: c.1995delC (NM_000267.3); c.1995delC, p.Ser666Leufs (NM_000267.4); short protein forms S666fs.
Identifiers: ClinVar variation 934362 (VCV000934362.6), dbSNP rs2066993840, ClinGen allele CA1139665417.